The following is an entry in ClinVar:

ClinVar aggregate classification (germline): Uncertain significance. Review status: criteria provided, multiple submitters, no conflicts (2 of 4 stars). 2 submissions from 2 submitters: Uncertain significance (2). Last evaluated 2023-03-07.

Conditions:
Inborn genetic diseases. Identifiers: MedGen C0950123, MeSH D030342.

Allele frequency attached by ClinVar (database versions not stated): gnomAD exomes below 0.00001.
gnomAD v4.1: 1 of 1,593,800 alleles (0.000063%); highest among the groups gnomAD compares: Non-Finnish European, 0.000086%; no homozygotes.

Submissions (2):

Labcorp Genetics (formerly Invitae), Labcorp
Classification: Uncertain significance. Last evaluated: 2023-03-07. Review status: criteria provided, single submitter. Criteria: Invitae Variant Classification Sherloc (09022015). Collection method: clinical testing. Allele origin: germline.
Comment: This sequence change replaces tyrosine, which is neutral and polar, with cysteine, which is neutral and slightly polar, at codon 829 of the ITPR1 protein (p.Tyr829Cys). This variant is not present in population databases (gnomAD no frequency). This variant has not been reported in the literature in individuals affected with ITPR1-related conditions. Advanced modeling of protein sequence and biophysical properties (such as structural, functional, and spatial information, amino acid conservation, physicochemical variation, residue mobility, and thermodynamic stability) performed at Invitae indicates that this missense variant is expected to disrupt ITPR1 protein function. In summary, the available evidence is currently insufficient to determine the role of this variant in disease. Therefore, it has been classified as a Variant of Uncertain Significance.

Ambry Genetics
Classification: Uncertain significance for Inborn genetic diseases. Last evaluated: 2023-02-09. Review status: criteria provided, single submitter. Criteria: Ambry Variant Classification Scheme 2023. Collection method: clinical testing. Allele origin: germline.

NM_001378452.1(ITPR1):c.2531A>G (p.Tyr844Cys)

Gene: ITPR1 (inositol 1,4,5-trisphosphate receptor type 1; plus strand). Cytogenetic location: 3p26.1.
Variant type: single nucleotide variant.
Coding change: c.2531A>G on transcript NM_001378452.1 (MANE Select); coding-DNA position 2531, A replaced by G.
Protein change: p.Tyr844Cys; replaces tyrosine 844 with cysteine.
Molecular consequence: missense variant.
Genome position (GRCh38, 1-based): chr3:4,674,276, A>G. VCF-style: chr3-4674276-A-G. GRCh37 (hg19) VCF-style: chr3-4715960-A-G.
Other names: c.2531A>G, p.Tyr844Cys (NM_001099952.4); c.2486A>G, p.Tyr829Cys (NM_001168272.2, NM_002222.7); short protein forms Y829C, Y844C.
Identifiers: ClinVar variation 2482621 (VCV002482621.5), dbSNP rs2470760632, ClinGen allele CA351648079.